The following is an entry in ClinVar:

NM_005591.4(MRE11):c.1771C>T (p.Gln591Ter)

Gene: MRE11 (MRE11 double strand break repair nuclease; minus strand). Cytogenetic location: 11q21.
Variant type: single nucleotide variant.
Coding change: c.1771C>T on transcript NM_005591.4 (MANE Select); coding-DNA position 1771, C replaced by T.
Protein change: p.Gln591Ter; replaces glutamine 591 with a stop codon.
Molecular consequence: nonsense.
Genome position (GRCh38, 1-based): chr11:94,447,231, G>A on the plus strand (C>T on the coding strand, the complement: MRE11 is on the minus strand). VCF-style: chr11-94447231-G-A. GRCh37 (hg19) VCF-style: chr11-94180397-G-A.
Other names: c.1771C>T, p.Gln591Ter (NM_001330347.2, NM_005590.4); short protein forms Q591*.
Identifiers: ClinVar variation 479737 (VCV000479737.12), dbSNP rs1215450873, ClinGen allele CA382368064.

ClinVar aggregate classification (germline): Pathogenic/Likely pathogenic. Review status: criteria provided, multiple submitters, no conflicts (2 of 4 stars). 3 submissions from 3 submitters: Pathogenic (2); Likely pathogenic (1). Last evaluated 2023-06-07.

Conditions:
Hereditary cancer-predisposing syndrome. Also called: Hereditary Cancer Syndrome; Neoplastic Syndromes, Hereditary; Tumor predisposition; Hereditary neoplastic syndrome. Identifiers: Orphanet 140162, MedGen C0027672, MeSH D009386, MONDO:0015356.
Ataxia-telangiectasia-like disorder (ATLD). Identifiers: MedGen C1858391, MONDO:0011457.
Hereditary breast ovarian cancer syndrome. Also called: Hereditary breast and ovarian cancer syndrome; Hereditary breast and ovarian cancer; Hereditary breast and ovarian cancer syndrome (HBOC); Breast and ovarian cancer; Hereditary breast and/or ovarian cancer syndrome; BRCA1- and BRCA2-Associated Hereditary Breast and Ovarian Cancer. Identifiers: Orphanet 145, MedGen C0677776, MeSH D061325, MONDO:0003582. Disease mechanism: loss of function.

Allele frequency attached by ClinVar (database versions not stated): gnomAD exomes below 0.00001; gnomAD 0.00001; TOPMed 0.00001.

Submissions (3):

Ambry Genetics
Classification: Pathogenic for Hereditary cancer-predisposing syndrome. Last evaluated: 2023-06-07. Review status: criteria provided, single submitter. Criteria: Ambry Variant Classification Scheme 2023. Collection method: clinical testing. Allele origin: germline.
Comment: The p.Q591* pathogenic mutation (also known as c.1771C>T), located in coding exon 14 of the MRE11A gene, results from a C to T substitution at nucleotide position 1771. This changes the amino acid from a glutamine to a stop codon within coding exon 14. This variant is considered to be rare based on population cohorts in the Genome Aggregation Database (gnomAD). This alteration is expected to result in loss of function by premature protein truncation or nonsense-mediated mRNA decay. As such, this alteration is interpreted as a disease-causing mutation.

Women's Health and Genetics/Laboratory Corporation of America, LabCorp
Classification: Likely pathogenic for Hereditary breast ovarian cancer syndrome. Last evaluated: 2022-03-01. Review status: criteria provided, single submitter. Criteria: LabCorp Variant Classification Summary - May 2015. Collection method: clinical testing. Allele origin: germline.
Comment: Variant summary: MRE11 c.1771C>T (p.Gln591X) results in a premature termination codon, predicted to cause a truncation of the encoded protein or absence of the protein due to nonsense mediated decay, which are commonly known mechanisms for disease. Truncations downstream of this position have been classified as pathogenic in ClinVar. The variant allele was found at a frequency of 4e-06 in 250746 control chromosomes (gnomAD). To our knowledge, no occurrence of c.1771C>T in individuals affected with Hereditary Breast And Ovarian Cancer Syndrome and no experimental evidence demonstrating its impact on protein function have been reported. A ClinVar submitter (evaluation after 2014) cites the variant as pathogenic. Based on the evidence outlined above, the variant was classified as likely pathogenic.

Labcorp Genetics (formerly Invitae), Labcorp
Classification: Pathogenic for Ataxia-telangiectasia-like disorder. Last evaluated: 2021-02-17. Review status: criteria provided, single submitter. Criteria: Invitae Variant Classification Sherloc (09022015). Collection method: clinical testing. Allele origin: germline.
Comment: For these reasons, this variant has been classified as Pathogenic. This variant has not been reported in the literature in individuals with MRE11-related conditions. ClinVar contains an entry for this variant (Variation ID: 479737). This variant is not present in population databases (ExAC no frequency). This sequence change creates a premature translational stop signal (p.Gln591*) in the MRE11 gene. It is expected to result in an absent or disrupted protein product. Loss-of-function variants in MRE11 are known to be pathogenic (PMID: 23080121, 23912341).

Literature cited by the submitters: PubMed 29922827 (cited by Ambry Genetics); PubMed 33479248 (cited by Women's Health and Genetics/Laboratory Corporation of America, LabCorp); PubMed 32427313 (cited by Women's Health and Genetics/Laboratory Corporation of America, LabCorp); PubMed 23080121 (cited by Labcorp Genetics (formerly Invitae), Labcorp); PubMed 23912341 (cited by Labcorp Genetics (formerly Invitae), Labcorp).